The following is an entry in ClinVar:

NM_004380.3(CREBBP):c.6998A>G (p.Gln2333Arg)

Gene: CREBBP (CREB binding lysine acetyltransferase; minus strand). Cytogenetic location: 16p13.3.
Variant type: single nucleotide variant.
Coding change: c.6998A>G on transcript NM_004380.3 (MANE Select); coding-DNA position 6998, A replaced by G.
Protein change: p.Gln2333Arg; replaces glutamine 2333 with arginine.
Molecular consequence: missense variant.
Genome position (GRCh38, 1-based): chr16:3,728,049, T>C on the plus strand (A>G on the coding strand, the complement: CREBBP is on the minus strand). VCF-style: chr16-3728049-T-C. GRCh37 (hg19) VCF-style: chr16-3778050-T-C.
Other names: c.6884A>G, p.Gln2295Arg (NM_001079846.1); short protein forms Q2295R, Q2333R.
Identifiers: ClinVar variation 3356517 (VCV003356517.3).

ClinVar aggregate classification (germline): Uncertain significance. Review status: criteria provided, multiple submitters, no conflicts (2 of 4 stars). 2 submissions from 2 submitters: Uncertain significance (2). Last evaluated 2025-06-27.

Conditions:
CREBBP-related disorder. Also called: CREBBP-related disorders; CREBBP-related condition.

gnomAD v4.1: 1 of 1,612,732 alleles (0.000062%); highest among the groups gnomAD compares: Admixed American, 0.0017%; no homozygotes.

Submissions (2):

PreventionGenetics, part of Exact Sciences
Classification: Uncertain significance for CREBBP-related condition. Last evaluated: 2025-06-27. Review status: criteria provided, single submitter. Criteria: ACMG Guidelines, 2015. Collection method: clinical testing. Allele origin: germline.
Comment: The CREBBP c.6998A>G variant is predicted to result in the amino acid substitution p.Gln2333Arg. To our knowledge, this variant has not been reported in the literature or in a large population database, indicating this variant is rare. At this time, the clinical significance of this variant is uncertain due to the absence of conclusive functional and genetic evidence.

GeneDx
Classification: Uncertain significance. Last evaluated: 2025-05-01. Review status: criteria provided, single submitter. Criteria: GeneDx Variant Classification Process June 2021. Collection method: clinical testing. Allele origin: germline. Affected: yes.
Comment: Not observed at significant frequency in large population cohorts (gnomAD); In silico analysis supports that this missense variant has a deleterious effect on protein structure/function; Has not been previously published as pathogenic or benign to our knowledge